The following is an entry in ClinVar:

ClinVar aggregate classification (germline): Uncertain significance (1 of 4 stars; one submission).

Conditions:
Cardiovascular phenotype. Identifiers: MedGen CN230736.

Allele frequency attached by ClinVar (database versions not stated): ExAC 0.00001; gnomAD exomes 0.00001.
gnomAD v4.1: 3 of 1,613,420 alleles (0.00019%); highest among the groups gnomAD compares: South Asian, 0.0033%; no homozygotes.

Submission:

Ambry Genetics
Classification: Uncertain significance for Cardiovascular phenotype. Last evaluated: 2021-08-05. Review status: criteria provided, single submitter. Criteria: Ambry Variant Classification Scheme 2023. Collection method: clinical testing. Allele origin: germline.
Comment: The p.V1260I variant (also known as c.3778G>A), located in coding exon 21 of the FLNC gene, results from a G to A substitution at nucleotide position 3778. The valine at codon 1260 is replaced by isoleucine, an amino acid with highly similar properties. This amino acid position is conserved. In addition, the in silico prediction for this alteration is inconclusive. Since supporting evidence is limited at this time, the clinical significance of this alteration remains unclear.

NM_001458.5(FLNC):c.3778G>A (p.Val1260Ile)

Gene: FLNC (filamin C; plus strand). Cytogenetic location: 7q32.1.
Variant type: single nucleotide variant.
Coding change: c.3778G>A on transcript NM_001458.5 (MANE Select); coding-DNA position 3778, G replaced by A.
Protein change: p.Val1260Ile; replaces valine 1260 with isoleucine.
Molecular consequence: missense variant.
Genome position (GRCh38, 1-based): chr7:128,845,243, G>A. VCF-style: chr7-128845243-G-A. GRCh37 (hg19) VCF-style: chr7-128485297-G-A.
Other names: c.3778G>A, p.Val1260Ile (NM_001127487.2); short protein forms V1260I.
Identifiers: ClinVar variation 1734813 (VCV001734813.2), dbSNP rs777550457, ClinGen allele CA4475121.